The following is an entry in ClinVar:

NM_004672.5(MAP3K6):c.2584-6C>T

Gene: MAP3K6 (mitogen-activated protein kinase kinase kinase 6; minus strand). Cytogenetic location: 1p36.11.
Variant type: single nucleotide variant.
Coding change: c.2584-6C>T on transcript NM_004672.5 (MANE Select); 6 bases into the intron before coding-DNA position 2584, C replaced by T.
Molecular consequence: intron variant.
Genome position (GRCh38, 1-based): chr1:27,358,617, G>A on the plus strand (C>T on the coding strand, the complement: MAP3K6 is on the minus strand). VCF-style: chr1-27358617-G-A. GRCh37 (hg19) VCF-style: chr1-27685108-G-A.
Other names: c.2560-6C>T (NM_001297609.2).
Identifiers: ClinVar variation 3056282 (VCV003056282.2), dbSNP rs41291096, ClinGen allele CA713350.
Genomic context (GRCh38, chr1:27,358,617, plus strand): 5'-GGGCCTCGGCCGACAGAGAGCTGGGCATTGGCGGATGGACCTTGTACATACCCACCTGTG[G>A]GGGGAGGGTGAACAAGGGTGACATTCAGAGGTGTCCAAGGCCCAGGCTGGCCCTATGCCA-3'

ClinVar aggregate classification (germline): Benign (0 of 4 stars; one submission).

Conditions:
MAP3K6-related disorder. Also called: MAP3K6-related condition.

Allele frequency attached by ClinVar (database versions not stated): 1000 Genomes Project 0.01498; 1000 Genomes Project 30x 0.01562; ESP Exome Variant Server 0.04178; ExAC 0.04705.
gnomAD v4.1: 88,723 of 1,613,536 alleles (5.5%); highest among the groups gnomAD compares: Non-Finnish European, 6.4%; 2,769 homozygotes.

Submission:

PreventionGenetics, part of Exact Sciences
Classification: Benign for MAP3K6-related condition. Last evaluated: 2019-10-17. Review status: no assertion criteria provided. Collection method: clinical testing. Allele origin: germline.
Comment: This variant is classified as benign based on ACMG/AMP sequence variant interpretation guidelines (Richards et al. 2015 PMID: 25741868, with internal and published modifications).